The following is an entry in ClinVar:

ClinVar aggregate classification (germline): Uncertain significance. Review status: criteria provided, multiple submitters, no conflicts (2 of 4 stars). 2 submissions from 2 submitters: Uncertain significance (2). Last evaluated 2023-12-07.

Conditions:
Inborn genetic diseases. Identifiers: MedGen C0950123, MeSH D030342.

Allele frequency attached by ClinVar (database versions not stated): gnomAD exomes 0.00001; TOPMed 0.00002; gnomAD 0.00003.

Submissions (2):

Ambry Genetics
Classification: Uncertain significance for Inborn genetic diseases. Last evaluated: 2023-12-07. Review status: criteria provided, single submitter. Criteria: Ambry Variant Classification Scheme 2023. Collection method: clinical testing. Allele origin: germline.

Labcorp Genetics (formerly Invitae), Labcorp
Classification: Uncertain significance. Last evaluated: 2023-03-23. Review status: criteria provided, single submitter. Criteria: Invitae Variant Classification Sherloc (09022015). Collection method: clinical testing. Allele origin: germline.
Comment: This sequence change replaces alanine, which is neutral and non-polar, with threonine, which is neutral and polar, at codon 45 of the GFER protein (p.Ala45Thr). In summary, the available evidence is currently insufficient to determine the role of this variant in disease. Therefore, it has been classified as a Variant of Uncertain Significance. Algorithms developed to predict the effect of missense changes on protein structure and function output the following: SIFT: "Not Available"; PolyPhen-2: "Benign"; Align-GVGD: "Not Available". The threonine amino acid residue is found in multiple mammalian species, which suggests that this missense change does not adversely affect protein function. ClinVar contains an entry for this variant (Variation ID: 1900016). This variant has not been reported in the literature in individuals affected with GFER-related conditions. The frequency data for this variant in the population databases is considered unreliable, as metrics indicate poor data quality at this position in the gnomAD database.

NM_005262.3(GFER):c.133G>A (p.Ala45Thr)

Genes: GFER (growth factor, augmenter of liver regeneration; plus strand), LOC130058203 (ATAC-STARR-seq lymphoblastoid silent region 7014; plus strand). Cytogenetic location: 16p13.3.
Variant type: single nucleotide variant.
Coding change: c.133G>A on transcript NM_005262.3 (MANE Select); coding-DNA position 133, G replaced by A.
Protein change: p.Ala45Thr; replaces alanine 45 with threonine.
Molecular consequence: missense variant.
Genome position (GRCh38, 1-based): chr16:1,984,351, G>A. VCF-style: chr16-1984351-G-A. GRCh37 (hg19) VCF-style: chr16-2034352-G-A.
Other names: c.133G>A (NM_005262.2); short protein forms A45T.
Identifiers: ClinVar variation 1900016 (VCV001900016.6), dbSNP rs962686909, ClinGen allele CA276772943.
Genomic context (GRCh38, chr16:1,984,351, plus strand): 5'-GAGATGATGGACGACCTGGCGACCGACGCGCGGGGCCGGGGCGCGGGGCGGAGAGACGCG[G>A]CCGCCTCGGCCTCGACGCCAGCCCAGGCGCCGACCTCCGATTCTCCTGTCGCCGAGGACG-3'
Protein context (NP_005253.3, residues 35-55): RGRGAGRRDA[Ala45Thr]ASASTPAQAP